The following is an entry in ClinVar:

NM_000059.4(BRCA2):c.8642del (p.Thr2881fs)

Gene: BRCA2 (BRCA2 DNA repair associated; plus strand). Cytogenetic location: 13q13.1.
Variant type: Deletion.
Coding change: c.8642del on transcript NM_000059.4 (MANE Select); coding-DNA position 8642, one base deleted (C; older notation c.8642delC).
Protein change: p.Thr2881fs; shifts the reading frame from threonine 2881.
Molecular consequence: frameshift variant. On other transcripts: non-coding transcript variant (1).
Genome position (GRCh38, 1-based): chr13:32,376,679, C deleted. VCF-style (leftmost placement, unchanged base first): chr13-32376678-AC-A. GRCh37 (hg19) VCF-style: chr13-32950815-AC-A.
Other names: c.8546del, p.Thr2849fs (NM_001406719.1); c.8642del, p.Thr2881fs (NM_001406720.1); c.3710del, p.Thr1237fs (NM_001406721.1); c.2225del, p.Thr742fs (NM_001406722.1); short protein forms T1237fs, T2849fs, T2881fs, T742fs.
Identifiers: ClinVar variation 2715729 (VCV002715729.3), dbSNP rs2548553163, ClinGen allele CA2697551767.

ClinVar aggregate classification (germline): Pathogenic (1 of 4 stars; one submission).

Conditions:
Hereditary breast ovarian cancer syndrome. Also called: Hereditary breast and ovarian cancer syndrome; Hereditary breast and ovarian cancer; Hereditary breast and ovarian cancer syndrome (HBOC); Hereditary breast and/or ovarian cancer syndrome; Breast and ovarian cancer; BRCA1- and BRCA2-Associated Hereditary Breast and Ovarian Cancer. Identifiers: Orphanet 145, MedGen C0677776, MeSH D061325, MONDO:0003582. Disease mechanism: loss of function.

Submission:

Labcorp Genetics (formerly Invitae), Labcorp
Classification: Pathogenic for Hereditary breast ovarian cancer syndrome. Last evaluated: 2023-06-15. Review status: criteria provided, single submitter. Criteria: Invitae Variant Classification Sherloc (09022015). Collection method: clinical testing. Allele origin: germline.
Comment: For these reasons, this variant has been classified as Pathogenic. This variant has not been reported in the literature in individuals affected with BRCA2-related conditions. This variant is not present in population databases (gnomAD no frequency). This sequence change creates a premature translational stop signal (p.Thr2881Lysfs*10) in the BRCA2 gene. It is expected to result in an absent or disrupted protein product. Loss-of-function variants in BRCA2 are known to be pathogenic (PMID: 20104584).

Literature cited by the submitters: PubMed 20104584.